The following is an entry in ClinVar:

NM_000416.3(IFNGR1):c.1342G>A (p.Val448Ile)

Gene: IFNGR1 (interferon gamma receptor 1; minus strand). Cytogenetic location: 6q23.3.
Variant type: single nucleotide variant.
Coding change: c.1342G>A on transcript NM_000416.3 (MANE Select); coding-DNA position 1342, G replaced by A.
Protein change: p.Val448Ile; replaces valine 448 with isoleucine.
Molecular consequence: missense variant.
Genome position (GRCh38, 1-based): chr6:137,198,159, C>T on the plus strand (G>A on the coding strand, the complement: IFNGR1 is on the minus strand). VCF-style: chr6-137198159-C-T. GRCh37 (hg19) VCF-style: chr6-137519296-C-T.
Other names: c.1312G>A, p.Val438Ile (NM_001363526.1); c.1219G>A, p.Val407Ile (NM_001363527.1); short protein forms V407I, V438I, V448I.
Identifiers: ClinVar variation 1393533 (VCV001393533.8), dbSNP rs146424575, ClinGen allele CA4018765.

ClinVar aggregate classification (germline): Uncertain significance (1 of 4 stars; one submission).

Conditions:
Disseminated atypical mycobacterial infection. Identifiers: MedGen C0694566.

Allele frequency attached by ClinVar (database versions not stated): ESP Exome Variant Server 0.00008; 1000 Genomes Project 0.00020; 1000 Genomes Project 30x 0.00031.

Submission:

Labcorp Genetics (formerly Invitae), Labcorp
Classification: Uncertain significance for Disseminated atypical mycobacterial infection. Last evaluated: 2025-10-21. Review status: criteria provided, single submitter. Criteria: Invitae Variant Classification Sherloc (09022015). Collection method: clinical testing. Allele origin: germline.
Comment: This sequence change replaces valine, which is neutral and non-polar, with isoleucine, which is neutral and non-polar, at codon 448 of the IFNGR1 protein (p.Val448Ile). This variant is present in population databases (rs146424575, gnomAD 0.04%). This variant has not been reported in the literature in individuals affected with IFNGR1-related conditions. ClinVar contains an entry for this variant (Variation ID: 1393533). Invitae Evidence Modeling of protein sequence and biophysical properties (such as structural, functional, and spatial information, amino acid conservation, physicochemical variation, residue mobility, and thermodynamic stability) indicates that this missense variant is not expected to disrupt IFNGR1 protein function with a negative predictive value of 80%. In summary, the available evidence is currently insufficient to determine the role of this variant in disease. Therefore, it has been classified as a Variant of Uncertain Significance.